The following is an entry in ClinVar:

ClinVar aggregate classification (germline): Likely benign. Review status: criteria provided, multiple submitters, no conflicts (2 of 4 stars). 3 submissions from 3 submitters: Likely benign (3). Last evaluated 2026-07-27.

Conditions:
Mucopolysaccharidosis, MPS-IV-A (MPS4A). Also called: mucopolysaccharidosis type 4A; MORQUIO SYNDROME A; Morquio syndrome A, mild; MPS IVA; Mucopolysaccharidosis type IV A; Mucopolysaccharidosis Type IVA. Identifiers: Orphanet 309297, Orphanet 582, MedGen C0086651, MONDO:0009659, OMIM 253000.
GALNS-related disorder. Also called: GALNS-related condition.

Allele frequency attached by ClinVar (database versions not stated): ExAC 0.00002; gnomAD 0.00003; ESP Exome Variant Server 0.00015.
gnomAD v4.1: 175 of 1,614,028 alleles (0.011%); highest among the groups gnomAD compares: Middle Eastern, 0.016%; no homozygotes.

Submissions (3):

PreventionGenetics, part of Exact Sciences
Classification: Likely benign for GALNS-related condition. Last evaluated: 2026-07-27. Review status: criteria provided, single submitter. Criteria: ACMG Guidelines, 2015. Collection method: clinical testing. Allele origin: germline.
Comment: This variant is classified as likely benign based on ACMG/AMP sequence variant interpretation guidelines (Richards et al. 2015 PMID: 25741868, with internal and published modifications).

Labcorp Genetics (formerly Invitae), Labcorp
Classification: Likely benign for Mucopolysaccharidosis, MPS-IV-A. Last evaluated: 2026-01-28. Review status: criteria provided, single submitter. Criteria: Invitae Variant Classification Sherloc (09022015). Collection method: clinical testing. Allele origin: germline.

Blueprint Genetics
Classification: Likely benign. Last evaluated: 2022-12-05. Review status: criteria provided, single submitter. Criteria: ACMG Guidelines, 2015. Collection method: clinical testing. Allele origin: germline.

NM_000512.5(GALNS):c.714C>T (p.Pro238=)

Gene: GALNS (galactosamine (N-acetyl)-6-sulfatase; minus strand). Cytogenetic location: 16q24.3.
Variant type: single nucleotide variant.
Coding change: c.714C>T on transcript NM_000512.5 (MANE Select); coding-DNA position 714, C replaced by T.
Protein change: p.Pro238=; no amino-acid change (proline 238 retained).
Molecular consequence: synonymous variant.
Genome position (GRCh38, 1-based): chr16:88,835,769, G>A on the plus strand (C>T on the coding strand, the complement: GALNS is on the minus strand). VCF-style: chr16-88835769-G-A. GRCh37 (hg19) VCF-style: chr16-88902177-G-A.
Other names: c.159C>T, p.Pro53= (NM_001323543.2); c.732C>T, p.Pro244= (NM_001323544.2); c.714C>T (NM_000512.4).
Identifiers: ClinVar variation 2746653 (VCV002746653.5), dbSNP rs375407159, ClinGen allele CA8235018.